The following is an entry in ClinVar:

NM_006031.6(PCNT):c.3812T>G (p.Met1271Arg)

Gene: PCNT (pericentrin; plus strand). Cytogenetic location: 21q22.3.
Variant type: single nucleotide variant.
Coding change: c.3812T>G on transcript NM_006031.6 (MANE Select); coding-DNA position 3812, T replaced by G.
Protein change: p.Met1271Arg; replaces methionine 1271 with arginine.
Molecular consequence: missense variant.
Genome position (GRCh38, 1-based): chr21:46,389,403, T>G. VCF-style: chr21-46389403-T-G. GRCh37 (hg19) VCF-style: chr21-47809318-T-G.
Other names: c.3458T>G, p.Met1153Arg (NM_001315529.2); short protein forms M1153R, M1271R.
Identifiers: ClinVar variation 897381 (VCV000897381.7), dbSNP rs1484681697, ClinGen allele CA410575791.

ClinVar aggregate classification (germline): Uncertain significance. Review status: criteria provided, multiple submitters, no conflicts (2 of 4 stars). 3 submissions from 3 submitters: Uncertain significance (3). Last evaluated 2025-04-29.

Conditions:
PCNT-related disorder. Also called: PCNT-related condition.
Microcephalic osteodysplastic primordial dwarfism type II (MOPD2). Also called: Microcephalic osteodysplastic primordial dwarfism with tooth abnormalities; MOPD II; OSTEODYSPLASTIC PRIMORDIAL DWARFISM, TYPE II. Identifiers: Orphanet 2637, MedGen C0432246, MONDO:0008872, OMIM 210720.

Allele frequency attached by ClinVar (database versions not stated): gnomAD exomes below 0.00001.

Submissions (3):

PreventionGenetics, part of Exact Sciences
Classification: Uncertain significance for PCNT-related condition. Last evaluated: 2025-04-29. Review status: criteria provided, single submitter. Criteria: ACMG Guidelines, 2015. Collection method: clinical testing. Allele origin: germline.
Comment: The PCNT c.3812T>G variant is predicted to result in the amino acid substitution p.Met1271Arg. To our knowledge, this variant has not been reported in the literature. This variant is reported in 0.00088% of alleles in individuals of European (Non-Finnish) descent in gnomAD. At this time, the clinical significance of this variant is uncertain due to the absence of conclusive functional and genetic evidence.

Labcorp Genetics (formerly Invitae), Labcorp
Classification: Uncertain significance. Last evaluated: 2024-03-28. Review status: criteria provided, single submitter. Criteria: Invitae Variant Classification Sherloc (09022015). Collection method: clinical testing. Allele origin: germline.
Comment: This sequence change replaces methionine, which is neutral and non-polar, with arginine, which is basic and polar, at codon 1271 of the PCNT protein (p.Met1271Arg). This variant is present in population databases (no rsID available, gnomAD 0.0009%). This variant has not been reported in the literature in individuals affected with PCNT-related conditions. ClinVar contains an entry for this variant (Variation ID: 897381). An algorithm developed to predict the effect of missense changes on protein structure and function (PolyPhen-2) suggests that this variant is likely to be tolerated. In summary, the available evidence is currently insufficient to determine the role of this variant in disease. Therefore, it has been classified as a Variant of Uncertain Significance.

Illumina Laboratory Services, Illumina
Classification: Uncertain significance for Microcephalic osteodysplastic primordial dwarfism type II. Last evaluated: 2018-01-13. Review status: criteria provided, single submitter. Criteria: ICSL Variant Classification Criteria 13 December 2019. Collection method: clinical testing. Allele origin: germline.